The following is an entry in ClinVar:

ClinVar aggregate classification (germline): Uncertain significance. Review status: criteria provided, multiple submitters, no conflicts (2 of 4 stars). 2 submissions from 2 submitters: Uncertain significance (2). Last evaluated 2023-04-20.

Conditions:
Long QT syndrome (LQTS). Identifiers: MedGen C0023976, MeSH D008133, MONDO:0002442. Disease mechanism: loss of function. Inheritance: Various modes of inheritance.

Submissions (2):

Mayo Clinic Laboratories, Mayo Clinic
Classification: Uncertain significance. Last evaluated: 2023-04-20. Review status: criteria provided, single submitter. Criteria: ACMG Guidelines, 2015. Collection method: clinical testing. Allele origin: germline. Observed: 1 variant allele.
Comment: PP2, PM2_supporting

Labcorp Genetics (formerly Invitae), Labcorp
Classification: Uncertain significance for Long QT syndrome. Last evaluated: 2022-07-25. Review status: criteria provided, single submitter. Criteria: Invitae Variant Classification Sherloc (09022015). Collection method: clinical testing. Allele origin: germline.
Comment: This variant has not been reported in the literature in individuals affected with CACNA1C-related conditions. ClinVar contains an entry for this variant (Variation ID: 1370486). Algorithms developed to predict the effect of missense changes on protein structure and function (SIFT, PolyPhen-2, Align-GVGD) all suggest that this variant is likely to be tolerated. In summary, the available evidence is currently insufficient to determine the role of this variant in disease. Therefore, it has been classified as a Variant of Uncertain Significance. This variant is not present in population databases (gnomAD no frequency). This sequence change replaces proline, which is neutral and non-polar, with alanine, which is neutral and non-polar, at codon 1427 of the CACNA1C protein (p.Pro1427Ala).

NM_000719.7(CACNA1C):c.4279C>G (p.Pro1427Ala)

Gene: CACNA1C (calcium voltage-gated channel subunit alpha1 C; plus strand). Cytogenetic location: 12p13.33.
Variant type: single nucleotide variant.
Coding change: c.4279C>G on transcript NM_000719.7 (MANE Select); coding-DNA position 4279, C replaced by G.
Protein change: p.Pro1427Ala; replaces proline 1427 with alanine.
Molecular consequence: missense variant.
Genome position (GRCh38, 1-based): chr12:2,664,871, C>G. VCF-style: chr12-2664871-C-G. GRCh37 (hg19) VCF-style: chr12-2774037-C-G.
Other names: p.Pro1427Ala; c.4423C>G, p.Pro1475Ala (NM_001129827.2, NM_199460.4); c.4345C>G, p.Pro1449Ala (NM_001129829.2); c.4279C>G, p.Pro1427Ala (NM_001129830.3, NM_001129833.2, NM_001129834.2 and 7 more transcripts); c.4363C>G, p.Pro1455Ala (NM_001129831.2); c.4339C>G, p.Pro1447Ala (NM_001129832.2); c.4330C>G, p.Pro1444Ala (NM_001129836.2); c.4246C>G, p.Pro1416Ala (NM_001129837.2, NM_001129838.2, NM_001129846.2 and 1 more transcripts); and 2 more; short protein forms P1416A, P1424A, P1447A, P1475A, P1444A, P1414A, P1427A, P1449A.
Identifiers: ClinVar variation 1370486 (VCV001370486.9), dbSNP rs2153706726, ClinGen allele CA383375721.